The following is an entry in ClinVar:

ClinVar aggregate classification (germline): Uncertain significance (1 of 4 stars; one submission).

Conditions:
Inborn genetic diseases. Identifiers: MedGen C0950123, MeSH D030342.

Allele frequency attached by ClinVar (database versions not stated): TOPMed below 0.00001; gnomAD exomes 0.00001.
gnomAD v4.1: 14 of 1,614,232 alleles (0.00087%); highest among the groups gnomAD compares: Non-Finnish European, 0.0011%; no homozygotes.

Submission:

Ambry Genetics
Classification: Uncertain significance for Inborn genetic diseases. Last evaluated: 2023-04-18. Review status: criteria provided, single submitter. Criteria: Ambry Variant Classification Scheme 2023. Collection method: clinical testing. Allele origin: germline.
Comment: The p.S824N variant (also known as c.2471G>A), located in coding exon 16 of the EPAS1 gene, results from a G to A substitution at nucleotide position 2471. The serine at codon 824 is replaced by asparagine, an amino acid with highly similar properties. This amino acid position is conserved. In addition, this alteration is predicted to be tolerated by in silico analysis. Since supporting evidence is limited at this time, the clinical significance of this alteration remains unclear.

NM_001430.5(EPAS1):c.2471G>A (p.Ser824Asn)

Gene: EPAS1 (endothelial PAS domain protein 1; plus strand). Cytogenetic location: 2p21.
Variant type: single nucleotide variant.
Coding change: c.2471G>A on transcript NM_001430.5 (MANE Select); coding-DNA position 2471, G replaced by A.
Protein change: p.Ser824Asn; replaces serine 824 with asparagine.
Molecular consequence: missense variant.
Genome position (GRCh38, 1-based): chr2:46,384,518, G>A. VCF-style: chr2-46384518-G-A. GRCh37 (hg19) VCF-style: chr2-46611657-G-A.
Other names: short protein forms S824N.
Identifiers: ClinVar variation 2562025 (VCV002562025.2), dbSNP rs1382993020, ClinGen allele CA346706949.